The following is an entry in ClinVar:

ClinVar aggregate classification (germline): Pathogenic. Review status: criteria provided, multiple submitters, no conflicts (2 of 4 stars). 2 submissions from 2 submitters: Pathogenic (2). Last evaluated 2024-10-30.

Conditions:
Familial adenomatous polyposis 1 (FAP1). Also called: POLYPOSIS, ADENOMATOUS INTESTINAL; FAMILIAL ADENOMATOUS POLYPOSIS 1, ATTENUATED. Identifiers: MedGen C2713442, MONDO:0021056, OMIM 175100. Disease mechanism: loss of function.

Submissions (2):

Labcorp Genetics (formerly Invitae), Labcorp
Classification: Pathogenic for Familial adenomatous polyposis 1. Last evaluated: 2024-10-30. Review status: criteria provided, single submitter. Criteria: Invitae Variant Classification Sherloc (09022015). Collection method: clinical testing. Allele origin: germline.
Comment: This sequence change creates a premature translational stop signal (p.Asp1186Serfs*20) in the APC gene. While this is not anticipated to result in nonsense mediated decay, it is expected to disrupt the last 1658 amino acid(s) of the APC protein. This variant is not present in population databases (gnomAD no frequency). This variant has not been reported in the literature in individuals affected with APC-related conditions. ClinVar contains an entry for this variant (Variation ID: 945396). This variant is expected to disrupt the EB1 and HDLG binding sites, which mediate interactions with the cytoskeleton (PMID: 15311282, 17293347). While functional studies have not been performed to directly test the effect on APC protein function, this suggests that disruption of the C-terminal portion of the protein is functionally important. A different truncation (p.Tyr2645Lysfs*14) that lies downstream of this variant has been determined to be pathogenic (PMID: 9824584, 1316610, 27081525, 8381579, 22135120, internal data). This suggests that deletion of this region of the APC protein is causative of disease. For these reasons, this variant has been classified as Pathogenic.

Myriad Genetics, Inc.
Classification: Pathogenic for Familial adenomatous polyposis 1. Last evaluated: 2023-05-09. Review status: criteria provided, single submitter. Criteria: Myriad Autosomal Dominant, Autosomal Recessive and X-Linked Classification Criteria (2023). Collection method: clinical testing. Allele origin: unknown.
Comment: This variant is considered pathogenic. This variant creates a frameshift predicted to result in premature protein truncation.

Literature cited by the submitters: PubMed 15311282 (cited by Labcorp Genetics (formerly Invitae), Labcorp); PubMed 17293347 (cited by Labcorp Genetics (formerly Invitae), Labcorp); PubMed 9824584 (cited by Labcorp Genetics (formerly Invitae), Labcorp); PubMed 1316610 (cited by Labcorp Genetics (formerly Invitae), Labcorp); PubMed 27081525 (cited by Labcorp Genetics (formerly Invitae), Labcorp); PubMed 8381579 (cited by Labcorp Genetics (formerly Invitae), Labcorp); PubMed 22135120 (cited by Labcorp Genetics (formerly Invitae), Labcorp).

NM_000038.6(APC):c.3556_3560del (p.Asp1186fs)

Gene: APC (APC regulator of Wnt signaling pathway; plus strand). Cytogenetic location: 5q22.2.
Variant type: Deletion.
Coding change: c.3556_3560del on transcript NM_000038.6 (MANE Select); coding-DNA positions 3556 to 3560, 5 bases deleted (GATAT; older notation c.3556_3560delGATAT).
Protein change: p.Asp1186fs; shifts the reading frame from aspartic acid 1186.
Molecular consequence: frameshift variant.
Genome position (GRCh38, 1-based): chr5:112,839,150-112,839,154, GATAT deleted. VCF-style (leftmost placement, unchanged base first): chr5-112839149-AGATAT-A. GRCh37 (hg19) VCF-style: chr5-112174846-AGATAT-A.
Other names: c.3556_3560del, p.Asp1186fs (NM_001127510.3, NM_001354895.2); c.3502_3506del, p.Asp1168fs (NM_001127511.3); c.3610_3614del, p.Asp1204fs (NM_001354896.2); c.3586_3590del, p.Asp1196fs (NM_001354897.2); c.3481_3485del, p.Asp1161fs (NM_001354898.2); c.3472_3476del, p.Asp1158fs (NM_001354899.2); c.3433_3437del, p.Asp1145fs (NM_001354900.2); c.3379_3383del, p.Asp1127fs (NM_001354901.2); and 5 more; short protein forms D1026fs, D1085fs, D1158fs, D1196fs, D903fs, D1060fs, D1095fs, D1161fs.
Identifiers: ClinVar variation 945396 (VCV000945396.12), dbSNP rs1765456344, ClinGen allele CA1139655920.